The following is an entry in ClinVar:

ClinVar aggregate classification (germline): Likely benign (1 of 4 stars; one submission).

Conditions:
Pheochromocytoma/paraganglioma syndrome 3. Also called: GLOMUS TUMORS, FAMILIAL, 3; Paragangliomas 3; SDHC-Related Hereditary Paraganglioma-Pheochromocytoma Syndrome (Paragangliomas 3); SDHC-Related Hereditary Paraganglioma-Pheochromocytoma Syndrome. Identifiers: Orphanet 29072, MedGen C1854336, MONDO:0011544, OMIM 605373.

gnomAD v4.1: 15 of 1,580,984 alleles (0.00095%); highest among the groups gnomAD compares: Non-Finnish European, 0.0013%; no homozygotes.

Submission:

Myriad Genetics, Inc.
Classification: Likely benign for Pheochromocytoma/paraganglioma syndrome 3. Last evaluated: 2025-03-13. Review status: criteria provided, single submitter. Criteria: Myriad Autosomal Dominant, Autosomal Recessive and X-Linked Classification Criteria (2023). Collection method: clinical testing. Allele origin: unknown.
Comment: This variant is considered likely benign. This variant is intronic and is not expected to impact mRNA splicing.

NM_003001.5(SDHC):c.20+10G>C

Gene: SDHC (succinate dehydrogenase complex subunit C; plus strand). Cytogenetic location: 1q23.3.
Variant type: single nucleotide variant.
Coding change: c.20+10G>C on transcript NM_003001.5 (MANE Select); 10 bases into the intron after coding-DNA position 20, G replaced by C.
Molecular consequence: intron variant. On other transcripts: 5 prime UTR variant (1).
Genome position (GRCh38, 1-based): chr1:161,314,435, G>C. VCF-style: chr1-161314435-G-C. GRCh37 (hg19) VCF-style: chr1-161284225-G-C.
Other names: c.-531G>C (NM_001407119.1); c.-210+10G>C (NM_001407120.1); c.20+10G>C (NM_001407115.1, NM_001035511.3, NM_001035512.3 and 6 more transcripts).
Identifiers: ClinVar variation 3904474 (VCV003904474.1).
Genomic context (GRCh38, chr1:161,314,435, plus strand): 5'-GGCGTCACTTCCGTCCAGACCGGAACCCAAGATGGCTGCGCTGTTGCTGAGGTGACTTCA[G>C]TGGGACTGGGAGTTGGTGCCTGCGGCCCTCCGGAGATCTGAACTGGCCCCTCACGTTTTG-3'